The following is an entry in ClinVar:

NM_001283009.2(RTEL1):c.2836C>T (p.His946Tyr)

Genes: RTEL1 (regulator of telomere elongation helicase 1; plus strand), RTEL1-TNFRSF6B (RTEL1-TNFRSF6B readthrough (NMD candidate); plus strand). Cytogenetic location: 20q13.33.
Variant type: single nucleotide variant.
Coding change: c.2836C>T on transcript NM_001283009.2 (MANE Select); coding-DNA position 2836, C replaced by T.
Protein change: p.His946Tyr; replaces histidine 946 with tyrosine.
Molecular consequence: missense variant. On other transcripts: non-coding transcript variant (1).
Genome position (GRCh38, 1-based): chr20:63,692,988, C>T. VCF-style: chr20-63692988-C-T. GRCh37 (hg19) VCF-style: chr20-62324341-C-T.
Other names: c.2167C>T, p.His723Tyr (NM_001283010.1); c.2908C>T (NM_032957.4); c.2836C>T, p.His946Tyr (NM_016434.4); c.2908C>T, p.His970Tyr (NM_032957.5); short protein forms H946Y, H723Y, H970Y.
Identifiers: ClinVar variation 1428771 (VCV001428771.8), dbSNP rs1375502785, ClinGen allele CA409683123.

ClinVar aggregate classification (germline): Uncertain significance. Review status: criteria provided, multiple submitters, no conflicts (2 of 4 stars). 3 submissions from 3 submitters: Uncertain significance (2). 1 of the submissions does not count toward it. Last evaluated 2026-04-16.

Conditions:
Inborn genetic diseases. Identifiers: MedGen C0950123, MeSH D030342.
Dyskeratosis congenita, autosomal recessive 5 (DKCB5). Identifiers: MedGen C3554656, MONDO:0014076, OMIM 615190.
Pulmonary fibrosis and/or bone marrow failure, Telomere-related, 3. Also called: PULMONARY FIBROSIS AND/OR BONE MARROW FAILURE SYNDROME, TELOMERE-RELATED, 3. Identifiers: Orphanet 2032, MedGen C4225346, MONDO:0014613, OMIM 616373.
Dyskeratosis congenita. Identifiers: Orphanet 1775, MedGen C0265965, MONDO:0015780.

gnomAD v4.1: 1 of 1,612,608 alleles (0.000062%); highest among the groups gnomAD compares: Non-Finnish European, 0.000085%; no homozygotes.

Submissions (3):

Ambry Genetics
Classification: Uncertain significance for Inborn genetic diseases. Last evaluated: 2026-04-16. Review status: criteria provided, single submitter. Criteria: Ambry Variant Classification Scheme 2023. Collection method: clinical testing. Allele origin: germline.
Comment: The p.H946Y variant (also known as c.2836C>T), located in coding exon 28 of the RTEL1 gene, results from a C to T substitution at nucleotide position 2836. The histidine at codon 946 is replaced by tyrosine, an amino acid with similar properties. This amino acid position is conserved. In addition, this alteration is predicted to be tolerated by in silico analysis. Based on the available evidence, the clinical significance of this variant remains unclear.

Labcorp Genetics (formerly Invitae), Labcorp
Classification: Uncertain significance for Dyskeratosis congenita, autosomal recessive 5; Pulmonary fibrosis and/or bone marrow failure, Telomere-related, 3. Last evaluated: 2025-06-05. Review status: criteria provided, single submitter. Criteria: Invitae Variant Classification Sherloc (09022015). Collection method: clinical testing. Allele origin: germline.
Comment: This sequence change replaces histidine, which is basic and polar, with tyrosine, which is neutral and polar, at codon 946 of the RTEL1 protein (p.His946Tyr). This variant is not present in population databases (gnomAD no frequency). This variant has not been reported in the literature in individuals affected with RTEL1-related conditions. ClinVar contains an entry for this variant (Variation ID: 1428771). An algorithm developed to predict the effect of missense changes on protein structure and function (PolyPhen-2) suggests that this variant is likely to be disruptive. In summary, the available evidence is currently insufficient to determine the role of this variant in disease. Therefore, it has been classified as a Variant of Uncertain Significance.

Natera, Inc.
Classification: Uncertain significance for Dyskeratosis congenita. Last evaluated: 2025-02-19. Review status: no assertion criteria provided. Collection method: clinical testing. Allele origin: germline. Not counted in ClinVar's aggregate classification.